The following is an entry in ClinVar:

NM_000368.5(TSC1):c.738-20A>G

Gene: TSC1 (TSC complex subunit 1; minus strand). Cytogenetic location: 9q34.13.
Variant type: single nucleotide variant.
Coding change: c.738-20A>G on transcript NM_000368.5 (MANE Select); 20 bases into the intron before coding-DNA position 738, A replaced by G.
Molecular consequence: intron variant.
Genome position (GRCh38, 1-based): chr9:132,912,477, T>C on the plus strand (A>G on the coding strand, the complement: TSC1 is on the minus strand). VCF-style: chr9-132912477-T-C. GRCh37 (hg19) VCF-style: chr9-135787864-T-C.
Other names: c.375-20A>G (NM_001362177.2); c.585-20A>G (NM_001162427.2); c.738-20A>G (NM_001162426.2).
Identifiers: ClinVar variation 64771 (VCV000064771.11), dbSNP rs397514824, ClinGen allele CA008138.

ClinVar aggregate classification (germline): Likely benign. Review status: criteria provided, multiple submitters, no conflicts (2 of 4 stars). 5 submissions from 5 submitters: Likely benign (4). 1 of the submissions does not count toward it. Last evaluated 2026-01-20.

Conditions:
Tuberous sclerosis syndrome (TSC). Also called: Tuberous Sclerosis Complex; Tuberous sclerosis. Identifiers: Orphanet 805, MedGen C0041341, MONDO:0001734.
Tuberous sclerosis 1 (TSC1). Identifiers: Orphanet 805, MedGen C1854465, MONDO:0008612, OMIM 191100.

Allele frequency attached by ClinVar (database versions not stated): ExAC 0.00001; gnomAD exomes 0.00001 and 0.00002; TOPMed 0.00001; gnomAD 0.00003 and 0.00004.
gnomAD v4.1: 28 of 1,613,802 alleles (0.0017%); highest among the groups gnomAD compares: Non-Finnish European, 0.0016%; no homozygotes.

Submissions (5):

Labcorp Genetics (formerly Invitae), Labcorp
Classification: Likely benign for Tuberous sclerosis 1. Last evaluated: 2026-01-20. Review status: criteria provided, single submitter. Criteria: Invitae Variant Classification Sherloc (09022015). Collection method: clinical testing. Allele origin: germline.

Myriad Genetics, Inc.
Classification: Likely benign for Tuberous sclerosis 1. Last evaluated: 2025-04-08. Review status: criteria provided, single submitter. Criteria: Myriad Autosomal Dominant, Autosomal Recessive and X-Linked Classification Criteria (2023). Collection method: clinical testing. Allele origin: unknown.
Comment: This variant is considered likely benign. This variant is intronic and is not expected to impact mRNA splicing.

Blueprint Genetics
Classification: Likely benign. Last evaluated: 2024-11-12. Review status: criteria provided, single submitter. Criteria: ACMG Guidelines, 2015. Collection method: clinical testing. Allele origin: germline.

GeneDx
Classification: Likely benign. Last evaluated: 2017-10-23. Review status: criteria provided, single submitter. Criteria: GeneDx Variant Classification (06012015). Collection method: clinical testing. Allele origin: germline. Affected: yes.
Comment: This variant is considered likely benign or benign based on one or more of the following criteria: it is a conservative change, it occurs at a poorly conserved position in the protein, it is predicted to be benign by multiple in silico algorithms, and/or has population frequency not consistent with disease.

Tuberous sclerosis database (TSC1)
No classification provided. Condition: TSC. Review status: no classification provided. Criteria: Tuberous Sclerosis Database Assertion Criteria 2015. Collection method: curation. Allele origin: germline. Affected: yes. Not counted in ClinVar's aggregate classification.